The following is an entry in ClinVar:

NM_001278064.2(GRM1):c.2766G>C (p.Thr922=)

Gene: GRM1 (glutamate metabotropic receptor 1; plus strand). Cytogenetic location: 6q24.3.
Variant type: single nucleotide variant.
Coding change: c.2766G>C on transcript NM_001278064.2 (MANE Select); coding-DNA position 2766, G replaced by C.
Protein change: p.Thr922=; no amino-acid change (threonine 922 retained).
Molecular consequence: synonymous variant. On other transcripts: 3 prime UTR variant (3).
Genome position (GRCh38, 1-based): chr6:146,433,977, G>C. VCF-style: chr6-146433977-G-C. GRCh37 (hg19) VCF-style: chr6-146755113-G-C.
Other names: p.Thr922=; c.*130G>C (NM_001278065.2); c.*95G>C (NM_001278066.1); c.*4G>C (NM_001278067.1).
Identifiers: ClinVar variation 447462 (VCV000447462.2), dbSNP rs557241976, ClinGen allele CA4037557.

ClinVar aggregate classification (germline): Conflicting classifications of pathogenicity. Review status: criteria provided, conflicting classifications (1 of 4 stars). 2 submissions from 2 submitters: Uncertain significance (1); Likely benign (1). Last evaluated 2025-01-13.

Allele frequency attached by ClinVar (database versions not stated): TOPMed 0.00001.
gnomAD v4.1: 9 of 1,613,964 alleles (0.00056%); highest among the groups gnomAD compares: South Asian, 0.0033%; no homozygotes.

Submissions (2):

Mayo Clinic Laboratories, Mayo Clinic
Classification: Likely benign. Last evaluated: 2025-01-13. Review status: criteria provided, single submitter. Criteria: ACMG Guidelines, 2015. Collection method: clinical testing. Allele origin: germline. Observed: 1 variant allele.
Comment: BP4, BP7

Athena Diagnostics
Classification: Uncertain significance. Last evaluated: 2017-04-13. Review status: criteria provided, single submitter. Criteria: Athena Diagnostics Criteria. Collection method: clinical testing. Allele origin: germline.